The following is an entry in ClinVar:

NM_001205293.3(CACNA1E):c.3837C>T (p.Phe1279=)

Gene: CACNA1E (calcium voltage-gated channel subunit alpha1 E; plus strand). Cytogenetic location: 1q25.3.
Variant type: single nucleotide variant.
Coding change: c.3837C>T on transcript NM_001205293.3 (MANE Select); coding-DNA position 3837, C replaced by T.
Protein change: p.Phe1279=; no amino-acid change (phenylalanine 1279 retained).
Molecular consequence: synonymous variant.
Genome position (GRCh38, 1-based): chr1:181,755,245, C>T. VCF-style: chr1-181755245-C-T. GRCh37 (hg19) VCF-style: chr1-181724381-C-T.
Other names: p.Phe1279=; c.3837C>T, p.Phe1279= (NM_000721.4); c.3780C>T, p.Phe1260= (NM_001205294.2).
Identifiers: ClinVar variation 1240675 (VCV001240675.43), dbSNP rs41315709, ClinGen allele CA1275728.

ClinVar aggregate classification (germline): Benign/Likely benign. Review status: criteria provided, multiple submitters, no conflicts (2 of 4 stars). 7 submissions from 7 submitters: Benign (4); Likely benign (3). Last evaluated 2026-06-01.

Conditions:
Developmental and epileptic encephalopathy, 69. Also called: EPILEPTIC ENCEPHALOPATHY, EARLY INFANTILE, 69. Identifiers: MedGen C4748988, MONDO:0032657, OMIM 618285.

Allele frequency attached by ClinVar (database versions not stated): ESP Exome Variant Server 0.00056; 1000 Genomes Project 30x 0.00062; TOPMed 0.00066; ExAC 0.00070; gnomAD exomes 0.00070 and 0.00111; gnomAD 0.00077 and 0.00079; 1000 Genomes Project 0.00080.
gnomAD v4.1: 1,746 of 1,613,592 alleles (0.11%); highest among the groups gnomAD compares: Non-Finnish European, 0.13%; 2 homozygotes.

Submissions (7):

CeGaT Center for Human Genetics Tuebingen
Classification: Likely benign. Last evaluated: 2026-06-01. Review status: criteria provided, single submitter. Criteria: CeGaT Center For Human Genetics Tuebingen Variant Classification Criteria Version 2. Collection method: clinical testing. Allele origin: germline. Affected: yes. Observed: 3 variant alleles.
Comment: CACNA1E: BP4, BP7, BS1

Labcorp Genetics (formerly Invitae), Labcorp
Classification: Benign. Last evaluated: 2026-01-19. Review status: criteria provided, single submitter. Criteria: Invitae Variant Classification Sherloc (09022015). Collection method: clinical testing. Allele origin: germline.

Mayo Clinic Laboratories, Mayo Clinic
Classification: Likely benign. Last evaluated: 2025-03-25. Review status: criteria provided, single submitter. Criteria: ACMG Guidelines, 2015. Collection method: clinical testing. Allele origin: germline. Observed: 1 variant allele.
Comment: BS1, BP4, BP7

Blueprint Genetics
Classification: Likely benign. Last evaluated: 2024-10-02. Review status: criteria provided, single submitter. Criteria: ACMG Guidelines, 2015. Collection method: clinical testing. Allele origin: germline.

ARUP Laboratories, Molecular Genetics and Genomics, ARUP Laboratories
Classification: Benign for Developmental and epileptic encephalopathy, 69. Last evaluated: 2024-04-10. Review status: criteria provided, single submitter. Criteria: ARUP Molecular Germline Variant Investigation Process 2024. Collection method: clinical testing. Allele origin: germline.

Genome-Nilou Lab
Classification: Benign for Developmental and epileptic encephalopathy, 69. Last evaluated: 2023-04-11. Review status: criteria provided, single submitter. Criteria: ACMG Guidelines, 2015. Collection method: clinical testing. Allele origin: germline. Affected: no.

GeneDx
Classification: Benign. Last evaluated: 2021-05-19. Review status: criteria provided, single submitter. Criteria: GeneDx Variant Classification Process June 2021. Collection method: clinical testing. Allele origin: germline. Affected: yes.